The following is an entry in ClinVar:

NM_198578.4(LRRK2):c.6212G>A (p.Gly2071Asp)

Gene: LRRK2 (leucine rich repeat kinase 2; plus strand). Cytogenetic location: 12q12.
Variant type: single nucleotide variant.
Coding change: c.6212G>A on transcript NM_198578.4 (MANE Select); coding-DNA position 6212, G replaced by A.
Protein change: p.Gly2071Asp; replaces glycine 2071 with aspartic acid.
Molecular consequence: missense variant.
Genome position (GRCh38, 1-based): chr12:40,346,855, G>A. VCF-style: chr12-40346855-G-A. GRCh37 (hg19) VCF-style: chr12-40740657-G-A.
Other names: short protein forms G2071D.
Identifiers: ClinVar variation 2079954 (VCV002079954.4), dbSNP rs199672415, ClinGen allele CA6514625.

ClinVar aggregate classification (germline): Uncertain significance (1 of 4 stars; one submission).

Conditions:
Autosomal dominant Parkinson disease 8. Also called: LRRK2-Related Parkinson Disease; Parkinson disease 8; Parkinson disease 8, susceptibility to. Identifiers: Orphanet 411602, MedGen C1846862, MONDO:0011764, OMIM 607060.

Allele frequency attached by ClinVar (database versions not stated): TOPMed 0.00014; gnomAD 0.00009; gnomAD exomes below 0.00001; ExAC 0.00001.
gnomAD v4.1: 23 of 1,613,692 alleles (0.0014%); highest among the groups gnomAD compares: African/African-American, 0.027%; no homozygotes.

Submission:

Labcorp Genetics (formerly Invitae), Labcorp
Classification: Uncertain significance for Autosomal dominant Parkinson disease 8. Last evaluated: 2022-06-22. Review status: criteria provided, single submitter. Criteria: Invitae Variant Classification Sherloc (09022015). Collection method: clinical testing. Allele origin: germline.
Comment: This sequence change replaces glycine, which is neutral and non-polar, with aspartic acid, which is acidic and polar, at codon 2071 of the LRRK2 protein (p.Gly2071Asp). This variant is present in population databases (rs199672415, gnomAD 0.03%). This variant has not been reported in the literature in individuals affected with LRRK2-related conditions. Algorithms developed to predict the effect of missense changes on protein structure and function output the following: SIFT: "Tolerated"; PolyPhen-2: "Benign"; Align-GVGD: "Class C0". The aspartic acid amino acid residue is found in multiple mammalian species, which suggests that this missense change does not adversely affect protein function. In summary, the available evidence is currently insufficient to determine the role of this variant in disease. Therefore, it has been classified as a Variant of Uncertain Significance.